The following is an entry in ClinVar:

NM_018105.3(THAP1):c.305dup (p.Pro103fs)

Gene: THAP1 (THAP domain containing 1; minus strand). Cytogenetic location: 8p11.21.
Variant type: Duplication.
Coding change: c.305dup on transcript NM_018105.3 (MANE Select); coding-DNA position 305, one base duplicated (C; older notation c.305dupC).
Protein change: p.Pro103fs; shifts the reading frame from proline 103.
Molecular consequence: frameshift variant.
Genome position (GRCh38, 1-based): chr8:42,838,299, G duplicated on the plus strand (C on the coding strand, the reverse complement: THAP1 is on the minus strand); the first of 5 consecutive G bases (chr8:42,838,299-42,838,303); duplicating any one gives the same sequence. VCF-style (leftmost placement, unchanged base first): chr8-42838298-T-TG. GRCh37 (hg19) VCF-style: chr8-42693441-T-TG.
Other names: c.109dup, p.His37fs (NM_199003.2); c.305dupC (NM_018105.2); short protein forms H37fs, P103fs.
Identifiers: ClinVar variation 568461 (VCV000568461.2), dbSNP rs1563644456, ClinGen allele CA891842751.

ClinVar aggregate classification (germline): Pathogenic (1 of 4 stars; one submission).

Conditions:
Torsion dystonia 6 (DYT6). Also called: DYT-THAP1. Identifiers: Orphanet 98806, MedGen C1414216, MONDO:0011264, OMIM 602629.

Submission:

Labcorp Genetics (formerly Invitae), Labcorp
Classification: Pathogenic for Torsion dystonia 6. Last evaluated: 2019-11-05. Review status: criteria provided, single submitter. Criteria: Invitae Variant Classification Sherloc (09022015). Collection method: clinical testing. Allele origin: germline.
Comment: This sequence change results in a premature translational stop signal in the THAP1 gene (p.Pro103Thrfs*11). While this is not anticipated to result in nonsense mediated decay, it is expected to disrupt the last 111 amino acids of the THAP1 protein. This variant is not present in population databases (ExAC no frequency). This variant has not been reported in the literature in individuals with THAP1-related disease. A different truncation (p.Gln154Serfs*27) that lies downstream of this variant has been determined to be pathogenic (PMID: 19345147, 20865765, 21495072). This suggests that deletion of this region of the THAP1 protein is causative of disease. For these reasons, this variant has been classified as Pathogenic.

Literature cited by the submitters: PubMed 20865765; PubMed 21495072; PubMed 19345147.